The following is an entry in ClinVar:

ClinVar aggregate classification (germline): Uncertain significance (1 of 4 stars; one submission).

gnomAD v4.1: 5 of 1,602,384 alleles (0.00031%); highest among the groups gnomAD compares: African/African-American, 0.0053%; no homozygotes.

Submission:

GeneDx
Classification: Uncertain significance. Last evaluated: 2019-12-03. Review status: criteria provided, single submitter. Criteria: GeneDx Variant Classification Process June 2021. Collection method: clinical testing. Allele origin: germline. Affected: yes.
Comment: In silico analysis, which includes protein predictors and evolutionary conservation, supports a deleterious effect; Has not been previously published as pathogenic or benign to our knowledge

NM_001330078.2(NRXN1):c.316G>C (p.Asp106His)

Gene: NRXN1 (neurexin 1; minus strand). Cytogenetic location: 2p16.3.
Variant type: single nucleotide variant.
Coding change: c.316G>C on transcript NM_001330078.2 (MANE Select); coding-DNA position 316, G replaced by C.
Protein change: p.Asp106His; replaces aspartic acid 106 with histidine.
Molecular consequence: missense variant.
Genome position (GRCh38, 1-based): chr2:51,027,958, C>G on the plus strand (G>C on the coding strand, the complement: NRXN1 is on the minus strand). VCF-style: chr2-51027958-C-G. GRCh37 (hg19) VCF-style: chr2-51255096-C-G.
Other names: c.316G>C, p.Asp106His (NM_001135659.3, NM_001330077.2, NM_001330079.2 and 15 more transcripts); short protein forms D106H.
Identifiers: ClinVar variation 1315746 (VCV001315746.2), dbSNP rs200576486, ClinGen allele CA48054920.